The following is an entry in ClinVar:

ClinVar aggregate classification (germline): Uncertain significance (1 of 4 stars; one submission).

Conditions:
Neurodevelopmental disorder with hypotonia, stereotypic hand movements, and impaired language. Also called: Intellectual disability, autosomal dominant 20. Identifiers: Orphanet 228384, Orphanet 664410, MedGen C3150700, MONDO:0013266, OMIM 613443.

Allele frequency attached by ClinVar (database versions not stated): TOPMed below 0.00001.

Submission:

Labcorp Genetics (formerly Invitae), Labcorp
Classification: Uncertain significance for Neurodevelopmental disorder with hypotonia, stereotypic hand movements, and impaired language. Last evaluated: 2024-11-07. Review status: criteria provided, single submitter. Criteria: Invitae Variant Classification Sherloc (09022015). Collection method: clinical testing. Allele origin: germline.
Comment: This sequence change replaces serine, which is neutral and polar, with asparagine, which is neutral and polar, at codon 434 of the MEF2C protein (p.Ser434Asn). This variant is not present in population databases (gnomAD no frequency). This variant has not been reported in the literature in individuals affected with MEF2C-related conditions. ClinVar contains an entry for this variant (Variation ID: 2016000). Invitae Evidence Modeling of protein sequence and biophysical properties (such as structural, functional, and spatial information, amino acid conservation, physicochemical variation, residue mobility, and thermodynamic stability) indicates that this missense variant is not expected to disrupt MEF2C protein function with a negative predictive value of 95%. In summary, the available evidence is currently insufficient to determine the role of this variant in disease. Therefore, it has been classified as a Variant of Uncertain Significance.

NM_002397.5(MEF2C):c.1301G>A (p.Ser434Asn)

Genes: MEF2C (myocyte enhancer factor 2C; minus strand), MEF2C-AS2 (MEF2C antisense RNA 2; plus strand). Cytogenetic location: 5q14.3.
Variant type: single nucleotide variant.
Coding change: c.1301G>A on transcript NM_002397.5 (MANE Select); coding-DNA position 1301, G replaced by A.
Protein change: p.Ser434Asn; replaces serine 434 with asparagine.
Molecular consequence: missense variant. On other transcripts: non-coding transcript variant (1), 3 prime UTR variant (9).
Genome position (GRCh38, 1-based): chr5:88,722,725, C>T on the plus strand (G>A on the coding strand, the complement: MEF2C is on the minus strand). VCF-style: chr5-88722725-C-T. GRCh37 (hg19) VCF-style: chr5-88018542-C-T.
Other names: c.1271G>A, p.Ser424Asn (NM_001131005.2); c.1331G>A, p.Ser444Asn (NM_001193347.1); c.1133G>A, p.Ser378Asn (NM_001193348.1); c.1061G>A, p.Ser354Asn (NM_001193349.3, NM_001364332.2); c.1301G>A, p.Ser434Asn (NM_001193350.2, NM_001364329.2, NM_001364330.2 and 1 more transcripts); c.1277G>A, p.Ser426Asn (NM_001308002.3, NM_001364333.2); c.1205G>A, p.Ser402Asn (NM_001363581.2, NM_001364334.2, NM_001364335.2 and 2 more transcripts); c.1181G>A, p.Ser394Asn (NM_001364342.2, NM_001364339.2, NM_001364340.2 and 1 more transcripts); and 7 more; short protein forms S252N, S412N, S424N, S378N, S394N, S402N, S426N, S434N.
Identifiers: ClinVar variation 2016000 (VCV002016000.4), dbSNP rs1345666452, ClinGen allele CA360421949.